The following is an entry in ClinVar:

ClinVar aggregate classification (germline): Uncertain significance (1 of 4 stars; one submission).

Submission:

Labcorp Genetics (formerly Invitae), Labcorp
Classification: Uncertain significance. Last evaluated: 2024-02-23. Review status: criteria provided, single submitter. Criteria: Invitae Variant Classification Sherloc (09022015). Collection method: clinical testing. Allele origin: germline.
Comment: This sequence change replaces asparagine, which is neutral and polar, with aspartic acid, which is acidic and polar, at codon 3880 of the HMCN1 protein (p.Asn3880Asp). This variant is not present in population databases (gnomAD no frequency). This variant has not been reported in the literature in individuals affected with HMCN1-related conditions. An algorithm developed to predict the effect of missense changes on protein structure and function (PolyPhen-2) suggests that this variant is likely to be tolerated. In summary, the available evidence is currently insufficient to determine the role of this variant in disease. Therefore, it has been classified as a Variant of Uncertain Significance.

NM_031935.3(HMCN1):c.11638A>G (p.Asn3880Asp)

Gene: HMCN1 (hemicentin 1; plus strand). Cytogenetic location: 1q31.1.
Variant type: single nucleotide variant.
Coding change: c.11638A>G on transcript NM_031935.3 (MANE Select); coding-DNA position 11638, A replaced by G.
Protein change: p.Asn3880Asp; replaces asparagine 3880 with aspartic acid.
Molecular consequence: missense variant.
Genome position (GRCh38, 1-based): chr1:186,117,070, A>G. VCF-style: chr1-186117070-A-G. GRCh37 (hg19) VCF-style: chr1-186086202-A-G.
Other names: short protein forms N3880D.
Identifiers: ClinVar variation 2785354 (VCV002785354.3), dbSNP rs2528014469, ClinGen allele CA343945674.
Genomic context (GRCh38, chr1:186,117,070, plus strand): 5'-TCACTAGTAATTATTTCCCCTTCTGTGGATGACACTGCAACCTATGAATGTACTGTGACA[A>G]ACGGTGCTGGAGATGATAAAAGAACTGTGGATCTCACTGTCCAAGGTAGAATTGGCTTGG-3'
Protein context (NP_114141.2, residues 3870-3890): DTATYECTVT[Asn3880Asp]GAGDDKRTVD